The following is an entry in ClinVar:

ClinVar aggregate classification (germline): Uncertain significance. Review status: criteria provided, multiple submitters, no conflicts (2 of 4 stars). 2 submissions from 2 submitters: Uncertain significance (2). Last evaluated 2025-11-30.

Conditions:
Hereditary cancer-predisposing syndrome. Also called: Neoplastic Syndromes, Hereditary; Hereditary Cancer Syndrome; Tumor predisposition; Hereditary neoplastic syndrome. Identifiers: Orphanet 140162, MedGen C0027672, MeSH D009386, MONDO:0015356.

Allele frequency attached by ClinVar (database versions not stated): gnomAD exomes below 0.00001.
gnomAD v4.1: 1 of 1,613,268 alleles (0.000062%); highest among the groups gnomAD compares: East Asian, 0.0022%; no homozygotes.

Submissions (2):

Ambry Genetics
Classification: Uncertain significance for Hereditary cancer-predisposing syndrome. Last evaluated: 2025-11-30. Review status: criteria provided, single submitter. Criteria: Ambry Variant Classification Scheme 2023. Collection method: clinical testing. Allele origin: germline.
Comment: The p.E80G variant (also known as c.239A>G), located in coding exon 2 of the NTHL1 gene, results from an A to G substitution at nucleotide position 239. The glutamic acid at codon 80 is replaced by glycine, an amino acid with similar properties. This amino acid position is conserved. In addition, this alteration is predicted to be tolerated by in silico analysis. Since supporting evidence is limited at this time, the clinical significance of this alteration remains unclear.

Labcorp Genetics (formerly Invitae), Labcorp
Classification: Uncertain significance. Last evaluated: 2024-04-07. Review status: criteria provided, single submitter. Criteria: Invitae Variant Classification Sherloc (09022015). Collection method: clinical testing. Allele origin: germline.
Comment: This sequence change replaces glutamic acid, which is acidic and polar, with glycine, which is neutral and non-polar, at codon 80 of the NTHL1 protein (p.Glu80Gly). This variant is present in population databases (no rsID available, gnomAD 0.006%). This variant has not been reported in the literature in individuals affected with NTHL1-related conditions. ClinVar contains an entry for this variant (Variation ID: 1524335). An algorithm developed to predict the effect of missense changes on protein structure and function (PolyPhen-2) suggests that this variant is likely to be tolerated. In summary, the available evidence is currently insufficient to determine the role of this variant in disease. Therefore, it has been classified as a Variant of Uncertain Significance.

NM_002528.7(NTHL1):c.215A>G (p.Glu72Gly)

Gene: NTHL1 (nth like DNA glycosylase 1; minus strand). Cytogenetic location: 16p13.3.
Variant type: single nucleotide variant.
Coding change: c.215A>G on transcript NM_002528.7 (MANE Select); coding-DNA position 215, A replaced by G.
Protein change: p.Glu72Gly; replaces glutamic acid 72 with glycine.
Molecular consequence: missense variant. On other transcripts: intron variant (1).
Genome position (GRCh38, 1-based): chr16:2,046,267, T>C on the plus strand (A>G on the coding strand, the complement: NTHL1 is on the minus strand). VCF-style: chr16-2046267-T-C. GRCh37 (hg19) VCF-style: chr16-2096268-T-C.
Other names: c.24+13A>G (NM_001318194.2); c.215A>G, p.Glu72Gly (NM_001318193.2); short protein forms E72G.
Identifiers: ClinVar variation 1524335 (VCV001524335.11), dbSNP rs1232383882, ClinGen allele CA394297496.